The following is an entry in ClinVar:

ClinVar aggregate classification (germline): Uncertain significance. Review status: criteria provided, multiple submitters, no conflicts (2 of 4 stars). 3 submissions from 3 submitters: Uncertain significance (3). Last evaluated 2024-08-27.

Conditions:
Rhabdoid tumor predisposition syndrome 2 (RTPS2). Identifiers: Orphanet 231108, Orphanet 69077, MedGen C2750074, MONDO:0013224, OMIM 613325.
Hereditary cancer-predisposing syndrome. Also called: Neoplastic Syndromes, Hereditary; Tumor predisposition; Hereditary neoplastic syndrome; Hereditary Cancer Syndrome. Identifiers: Orphanet 140162, MedGen C0027672, MeSH D009386, MONDO:0015356.

gnomAD v4.1: 1 of 1,602,846 alleles (0.000062%); highest among the groups gnomAD compares: Non-Finnish European, 0.000085%; no homozygotes.

Submissions (3):

Ambry Genetics
Classification: Uncertain significance for Hereditary cancer-predisposing syndrome. Last evaluated: 2024-08-27. Review status: criteria provided, single submitter. Criteria: Ambry Variant Classification Scheme 2023. Collection method: clinical testing. Allele origin: germline.
Comment: The p.P285L variant (also known as c.854C>T), located in coding exon 4 of the SMARCA4 gene, results from a C to T substitution at nucleotide position 854. The proline at codon 285 is replaced by leucine, an amino acid with similar properties. This amino acid position is well conserved in available vertebrate species. In addition, the in silico prediction for this alteration is inconclusive. Missense and in-frame variants in SMARCA4 are known to cause neurodevelopmental disorders; however, such associations with rhabdoid tumor predisposition syndrome including small cell carcinoma of the ovary-hypercalcemic type (SCCOHT) are exceedingly rare (Kosho T et al. Am J Med Genet C Semin Med Genet. 2014 Sep;166C(3):262-75; Jelinic P et al. Nat Genet. 2014 May;46(5):424-6). Based on the supporting evidence, the association of this alteration with Coffin-Siris syndrome is unknown; however, the association of this alteration with rhabdoid tumor predisposition syndrome is unlikely.

Labcorp Genetics (formerly Invitae), Labcorp
Classification: Uncertain significance for Rhabdoid tumor predisposition syndrome 2. Last evaluated: 2023-06-28. Review status: criteria provided, single submitter. Criteria: Invitae Variant Classification Sherloc (09022015). Collection method: clinical testing. Allele origin: germline.
Comment: In summary, the available evidence is currently insufficient to determine the role of this variant in disease. Therefore, it has been classified as a Variant of Uncertain Significance. Advanced modeling of protein sequence and biophysical properties (such as structural, functional, and spatial information, amino acid conservation, physicochemical variation, residue mobility, and thermodynamic stability) has been performed at Invitae for this missense variant, however the output from this modeling did not meet the statistical confidence thresholds required to predict the impact of this variant on SMARCA4 protein function. ClinVar contains an entry for this variant (Variation ID: 2452881). This variant has not been reported in the literature in individuals affected with SMARCA4-related conditions. This variant is not present in population databases (gnomAD no frequency). This sequence change replaces proline, which is neutral and non-polar, with leucine, which is neutral and non-polar, at codon 285 of the SMARCA4 protein (p.Pro285Leu).

Baylor Genetics
Classification: Uncertain significance for Rhabdoid tumor predisposition syndrome 2. Last evaluated: 2023-05-09. Review status: criteria provided, single submitter. Criteria: ACMG Guidelines, 2015. Collection method: clinical testing. Allele origin: unknown.

NM_003072.5(SMARCA4):c.854C>T (p.Pro285Leu)

Gene: SMARCA4 (SWI/SNF related BAF chromatin remodeling complex subunit ATPase 4; plus strand). Cytogenetic location: 19p13.2.
Variant type: single nucleotide variant.
Coding change: c.854C>T on transcript NM_003072.5 (MANE Select); coding-DNA position 854, C replaced by T.
Protein change: p.Pro285Leu; replaces proline 285 with leucine.
Molecular consequence: missense variant. On other transcripts: non-coding transcript variant (1).
Genome position (GRCh38, 1-based): chr19:10,986,998, C>T. VCF-style: chr19-10986998-C-T. GRCh37 (hg19) VCF-style: chr19-11097674-C-T.
Other names: c.854C>T, p.Pro285Leu (NM_001128844.3, NM_001128845.2, NM_001128846.2 and 6 more transcripts); short protein forms P285L.
Identifiers: ClinVar variation 2452881 (VCV002452881.7), dbSNP rs2145798181, ClinGen allele CA404058178.